The following is an entry in ClinVar:

ClinVar aggregate classification (germline): Likely pathogenic (1 of 4 stars; one submission).

Conditions:
Sialic acid storage disease, severe infantile type (ISSD). Also called: INFANTILE SIALIC ACID STORAGE DISORDER; N-ACETYLNEURAMINIC ACID STORAGE DISEASE; NANA STORAGE DISEASE; SIALURIA, INFANTILE FORM; Infantile Sialic Acid Storage Disease; Free sialic acid storage disease, infantile form. Identifiers: Orphanet 309324, Orphanet 834, MedGen C1096902, MONDO:0010027, OMIM 269920.

Submission:

Myriad Genetics, Inc.
Classification: Likely pathogenic for Sialic acid storage disease, severe infantile type. Last evaluated: 2022-01-26. Review status: criteria provided, single submitter. Criteria: Myriad Autosomal Dominant, Autosomal Recessive and X-Linked Classification Criteria (2023). Collection method: clinical testing. Allele origin: unknown.
Comment: NM_012434.4(SLC17A5):c.903C>G(Y301*) is expected to be pathogenic in the context of free sialic acid storage disorders. This variant is predicted to lead to an abnormal or absent protein product due to the creation of a premature termination codon in SLC17A5, a gene where loss-of-function variants are known to be pathogenic. Please note: this variant was assessed in the context of healthy population screening.

NM_012434.5(SLC17A5):c.903C>G (p.Tyr301Ter)

Gene: SLC17A5 (solute carrier family 17 member 5; minus strand). Cytogenetic location: 6q13.
Variant type: single nucleotide variant.
Coding change: c.903C>G on transcript NM_012434.5 (MANE Select); coding-DNA position 903, C replaced by G.
Protein change: p.Tyr301Ter; replaces tyrosine 301 with a stop codon.
Molecular consequence: nonsense. On other transcripts: intron variant (1).
Genome position (GRCh38, 1-based): chr6:73,621,879, G>C on the plus strand (C>G on the coding strand, the complement: SLC17A5 is on the minus strand). VCF-style: chr6-73621879-G-C. GRCh37 (hg19) VCF-style: chr6-74331602-G-C.
Other names: c.672C>G, p.Tyr224Ter (NM_001382629.1); c.903C>G, p.Tyr301Ter (NM_001382630.1, NM_001382633.1); c.924C>G, p.Tyr308Ter (NM_001382631.1); c.816C>G, p.Tyr272Ter (NM_001382632.1); c.900C>G, p.Tyr300Ter (NM_001382635.1); c.585C>G, p.Tyr195Ter (NM_001382636.1); c.820-6432C>G (NM_001382634.1); short protein forms Y195*, Y224*, Y272*, Y300*, Y301*, Y308*.
Identifiers: ClinVar variation 1724125 (VCV001724125.3), dbSNP rs1768168686, ClinGen allele CA364713510.